The following is an entry in ClinVar:

ClinVar aggregate classification (germline): Likely benign. Review status: criteria provided, multiple submitters, no conflicts (2 of 4 stars). 2 submissions from 2 submitters: Likely benign (2). Last evaluated 2024-10-24.

Allele frequency attached by ClinVar (database versions not stated): ESP Exome Variant Server 0.00008; gnomAD 0.00022; gnomAD exomes 0.00022; TOPMed 0.00022; ExAC 0.00040; 1000 Genomes Project 0.00100; 1000 Genomes Project 30x 0.00125.
gnomAD v4.1: 367 of 1,614,008 alleles (0.023%); highest among the groups gnomAD compares: Middle Eastern, 0.15%; no homozygotes.

Submissions (2):

Blueprint Genetics
Classification: Likely benign. Last evaluated: 2024-10-24. Review status: criteria provided, single submitter. Criteria: ACMG Guidelines, 2015. Collection method: clinical testing. Allele origin: germline.

CeGaT Center for Human Genetics Tuebingen
Classification: Likely benign. Last evaluated: 2023-11-01. Review status: criteria provided, single submitter. Criteria: CeGaT Center For Human Genetics Tuebingen Variant Classification Criteria Version 2. Collection method: clinical testing. Allele origin: germline. Affected: yes. Observed: 1 variant allele.
Comment: TRMT1: BP4, BP7

NM_001136035.4(TRMT1):c.1257C>T (p.Pro419=)

Gene: TRMT1 (tRNA methyltransferase 1; minus strand). Cytogenetic location: 19p13.13.
Variant type: single nucleotide variant.
Coding change: c.1257C>T on transcript NM_001136035.4 (MANE Select); coding-DNA position 1257, C replaced by T.
Protein change: p.Pro419=; no amino-acid change (proline 419 retained).
Molecular consequence: synonymous variant.
Genome position (GRCh38, 1-based): chr19:13,109,604, G>A on the plus strand (C>T on the coding strand, the complement: TRMT1 is on the minus strand). VCF-style: chr19-13109604-G-A. GRCh37 (hg19) VCF-style: chr19-13220418-G-A.
Other names: c.1170C>T, p.Pro390= (NM_001142554.3, NM_001351760.2); c.1149C>T, p.Pro383= (NM_001351761.2); c.474C>T, p.Pro158= (NM_001351762.2); c.1257C>T, p.Pro419= (NM_017722.5).
Identifiers: ClinVar variation 2649367 (VCV002649367.25), dbSNP rs201679777, ClinGen allele CA9237708.